The following is an entry in ClinVar:

NM_000535.7(PMS2):c.806T>C (p.Ile269Thr)

Gene: PMS2 (PMS1 homolog 2, mismatch repair system component; minus strand). Cytogenetic location: 7p22.1.
Variant type: single nucleotide variant.
Coding change: c.806T>C on transcript NM_000535.7 (MANE Select); coding-DNA position 806, T replaced by C.
Protein change: p.Ile269Thr; replaces isoleucine 269 with threonine.
Molecular consequence: missense variant. On other transcripts: non-coding transcript variant (1), intron variant (4), 5 prime UTR variant (2).
Genome position (GRCh38, 1-based): chr7:5,995,631, A>G on the plus strand (T>C on the coding strand, the complement: PMS2 is on the minus strand). VCF-style: chr7-5995631-A-G. GRCh37 (hg19) VCF-style: chr7-6035262-A-G.
Other names: c.488T>C, p.Ile163Thr (NM_001406883.1, NM_001406903.1, NM_001322007.2 and 4 more transcripts); c.638T>C, p.Ile213Thr (NM_001406884.1, NM_001406874.1); c.470T>C, p.Ile157Thr (NM_001406885.1); c.401T>C, p.Ile134Thr (NM_001406887.1, NM_001406888.1, NM_001406889.1 and 19 more transcripts); c.293T>C, p.Ile98Thr (NM_001406904.1, NM_001406905.1); c.233T>C, p.Ile78Thr (NM_001406909.1, NM_001322013.2); c.133-3574T>C (NM_001406911.1); c.538-3574T>C (NM_001406886.1); and 8 more; short protein forms I166T, I277T, I331T, I78T, I213T, I269T, I98T, I233T.
Identifiers: ClinVar variation 5026939 (VCV005026939.1).

ClinVar aggregate classification (germline): Uncertain significance (1 of 4 stars; one submission).

Conditions:
Hereditary cancer-predisposing syndrome. Also called: Neoplastic Syndromes, Hereditary; Tumor predisposition; Hereditary neoplastic syndrome; Hereditary Cancer Syndrome. Identifiers: Orphanet 140162, MedGen C0027672, MeSH D009386, MONDO:0015356.

Submission:

Ambry Genetics
Classification: Uncertain significance for Hereditary cancer-predisposing syndrome. Last evaluated: 2026-08-30. Review status: criteria provided, single submitter. Criteria: Ambry Variant Classification Scheme 2023. Collection method: clinical testing. Allele origin: germline.
Comment: The p.I269T variant (also known as c.806T>C), located in coding exon 8 of the PMS2 gene, results from a T to C substitution at nucleotide position 806. The isoleucine at codon 269 is replaced by threonine, an amino acid with similar properties. This amino acid position is conserved. In addition, this alteration is predicted to be deleterious by in silico analysis. Based on the available evidence, the clinical significance of this variant remains unclear.